The following is an entry in ClinVar:

NM_199352.6(SLC22A25):c.591C>T (p.Leu197=)

Gene: SLC22A25 (solute carrier family 22 member 25; minus strand). Cytogenetic location: 11q12.3.
Variant type: single nucleotide variant.
Coding change: c.591C>T on transcript NM_199352.6 (MANE Select); coding-DNA position 591, C replaced by T.
Protein change: p.Leu197=; no amino-acid change (leucine 197 retained).
Molecular consequence: synonymous variant.
Genome position (GRCh38, 1-based): chr11:63,217,651, G>A on the plus strand (C>T on the coding strand, the complement: SLC22A25 is on the minus strand). VCF-style: chr11-63217651-G-A. GRCh37 (hg19) VCF-style: chr11-62985123-G-A.
Other names: c.591C>T, p.Leu197= (NM_001394058.1, NM_001394059.1).
Identifiers: ClinVar variation 2641898 (VCV002641898.24), dbSNP rs117914773, ClinGen allele CA6060761.

ClinVar aggregate classification (germline): Likely benign (1 of 4 stars; one submission).

Allele frequency attached by ClinVar (database versions not stated): ESP Exome Variant Server 0.00446; 1000 Genomes Project 30x 0.00468; gnomAD 0.00476; 1000 Genomes Project 0.00479; gnomAD exomes 0.00533; ExAC 0.00558.
gnomAD v4.1: 8,429 of 1,613,998 alleles (0.52%); highest among the groups gnomAD compares: South Asian, 0.88%; 58 homozygotes.

Submission:

CeGaT Center for Human Genetics Tuebingen
Classification: Likely benign. Last evaluated: 2024-02-01. Review status: criteria provided, single submitter. Criteria: CeGaT Center For Human Genetics Tuebingen Variant Classification Criteria Version 2. Collection method: clinical testing. Allele origin: germline. Affected: yes. Observed: 2 variant alleles.
Comment: SLC22A25: BP4, BP7, BS2